The following is an entry in ClinVar:

NM_018699.4(PRDM5):c.1610G>T (p.Arg537Leu)

Gene: PRDM5 (PR/SET domain 5; minus strand). Cytogenetic location: 4q27.
Variant type: single nucleotide variant.
Coding change: c.1610G>T on transcript NM_018699.4 (MANE Select); coding-DNA position 1610, G replaced by T.
Protein change: p.Arg537Leu; replaces arginine 537 with leucine.
Molecular consequence: missense variant. On other transcripts: intron variant (1).
Genome position (GRCh38, 1-based): chr4:120,754,566, C>A on the plus strand (G>T on the coding strand, the complement: PRDM5 is on the minus strand). VCF-style: chr4-120754566-C-A. GRCh37 (hg19) VCF-style: chr4-121675721-C-A.
Other names: c.1517G>T, p.Arg506Leu (NM_001300823.2, NM_001379106.1); c.1643G>T, p.Arg548Leu (NM_001379104.1); c.1444+22622G>T (NM_001300824.2); short protein forms R506L, R537L, R548L.
Identifiers: ClinVar variation 4862483 (VCV004862483.1).

ClinVar aggregate classification (germline): Uncertain significance (1 of 4 stars; one submission).

Conditions:
Cardiovascular phenotype. Identifiers: MedGen CN230736.

Submission:

Ambry Genetics
Classification: Uncertain significance for Cardiovascular phenotype. Last evaluated: 2026-03-29. Review status: criteria provided, single submitter. Criteria: Ambry Variant Classification Scheme 2023. Collection method: clinical testing. Allele origin: germline.
Comment: The p.R537L variant (also known as c.1610G>T), located in coding exon 14 of the PRDM5 gene, results from a G to T substitution at nucleotide position 1610. The arginine at codon 537 is replaced by leucine, an amino acid with dissimilar properties. This amino acid position is conserved. In addition, the in silico prediction for this alteration is inconclusive. Based on the available evidence, the clinical significance of this variant remains unclear.